The following is an entry in ClinVar:

ClinVar aggregate classification (germline): Uncertain significance. Review status: criteria provided, multiple submitters, no conflicts (2 of 4 stars). 2 submissions from 2 submitters: Uncertain significance (2). Last evaluated 2023-02-06.

Conditions:
Inborn genetic diseases. Identifiers: MedGen C0950123, MeSH D030342.

Allele frequency attached by ClinVar (database versions not stated): ExAC 0.00001; gnomAD 0.00001; gnomAD exomes 0.00001 and 0.00002; TOPMed 0.00001.
gnomAD v4.1: 13 of 1,614,084 alleles (0.00081%); highest among the groups gnomAD compares: Admixed American, 0.005%; no homozygotes.

Submissions (2):

Ambry Genetics
Classification: Uncertain significance for Inborn genetic diseases. Last evaluated: 2023-02-06. Review status: criteria provided, single submitter. Criteria: Ambry Variant Classification Scheme 2023. Collection method: clinical testing. Allele origin: germline.

Labcorp Genetics (formerly Invitae), Labcorp
Classification: Uncertain significance. Last evaluated: 2021-10-24. Review status: criteria provided, single submitter. Criteria: Invitae Variant Classification Sherloc (09022015). Collection method: clinical testing. Allele origin: germline.
Comment: In summary, the available evidence is currently insufficient to determine the role of this variant in disease. Therefore, it has been classified as a Variant of Uncertain Significance. Algorithms developed to predict the effect of missense changes on protein structure and function (SIFT, PolyPhen-2, Align-GVGD) all suggest that this variant is likely to be disruptive. This variant has not been reported in the literature in individuals affected with TARS2-related conditions. This variant is present in population databases (rs748856324, gnomAD 0.009%). This sequence change replaces arginine, which is basic and polar, with tryptophan, which is neutral and slightly polar, at codon 497 of the TARS2 protein (p.Arg497Trp).

NM_025150.5(TARS2):c.1489C>T (p.Arg497Trp)

Gene: TARS2 (threonyl-tRNA synthetase 2, mitochondrial; plus strand). Cytogenetic location: 1q21.2.
Variant type: single nucleotide variant.
Coding change: c.1489C>T on transcript NM_025150.5 (MANE Select); coding-DNA position 1489, C replaced by T.
Protein change: p.Arg497Trp; replaces arginine 497 with tryptophan.
Molecular consequence: missense variant. On other transcripts: non-coding transcript variant (2).
Genome position (GRCh38, 1-based): chr1:150,498,984, C>T. VCF-style: chr1-150498984-C-T. GRCh37 (hg19) VCF-style: chr1-150471460-C-T.
Other names: c.1489C>T (NM_025150.3); c.1243C>T, p.Arg415Trp (NM_001271895.2); c.1099C>T, p.Arg367Trp (NM_001271896.2); short protein forms R415W, R497W, R367W.
Identifiers: ClinVar variation 1390677 (VCV001390677.7), dbSNP rs748856324, ClinGen allele CA1077026.